The following is an entry in ClinVar:

ClinVar aggregate classification (germline): Likely benign. Review status: criteria provided, multiple submitters, no conflicts (2 of 4 stars). 2 submissions from 2 submitters: Likely benign (2). Last evaluated 2024-06-12.

Conditions:
Familial cancer of breast. Also called: BREAST CANCER, FAMILIAL; Hereditary breast cancer; hereditary breast carcinoma. Identifiers: Orphanet 227535, MedGen C0346153, MONDO:0016419, OMIM 114480. Disease mechanism: loss of function.
Ataxia-telangiectasia syndrome (AT). Also called: LOUIS-BAR SYNDROME; Cerebello-oculocutaneous telangiectasia; Immunodeficiency with ataxia telangiectasia; Ataxia telangiectasia (A-T); Ataxia-telangiectasia, complementation group D; AT, COMPLEMENTATION GROUP C. Identifiers: Orphanet 100, MedGen C0004135, MONDO:0008840, OMIM 208900.

Submissions (2):

Myriad Genetics, Inc.
Classification: Likely benign for Familial cancer of breast. Last evaluated: 2024-06-12. Review status: criteria provided, single submitter. Criteria: Myriad Autosomal Dominant, Autosomal Recessive and X-Linked Classification Criteria (2023). Collection method: clinical testing. Allele origin: unknown.
Comment: This variant is considered likely benign. This variant is intronic and is not expected to impact mRNA splicing.

Labcorp Genetics (formerly Invitae), Labcorp
Classification: Likely benign for Ataxia-telangiectasia syndrome. Last evaluated: 2021-10-21. Review status: criteria provided, single submitter. Criteria: Invitae Variant Classification Sherloc (09022015). Collection method: clinical testing. Allele origin: germline.

NM_000051.4(ATM):c.6808-10T>C

Genes: ATM (ATM serine/threonine kinase; plus strand), C11orf65 (chromosome 11 open reading frame 65; minus strand). Cytogenetic location: 11q22.3.
Variant type: single nucleotide variant.
Coding change: c.6808-10T>C on transcript NM_000051.4 (MANE Select); 10 bases into the intron before coding-DNA position 6808, T replaced by C.
Molecular consequence: intron variant.
Genome position (GRCh38, 1-based): chr11:108,326,048, T>C. VCF-style: chr11-108326048-T-C. GRCh37 (hg19) VCF-style: chr11-108196775-T-C.
Other names: c.6808-10T>C (NM_001351834.2); c.641-16977A>G (NM_001330368.2); c.*38+9172A>G (NM_001351110.2).
Identifiers: ClinVar variation 1610587 (VCV001610587.10), dbSNP rs2136330431, ClinGen allele CA2573146515.
Genomic context (GRCh38, chr11:108,326,048, plus strand): 5'-TATTATTATTATTCATGGTAGTAGTATCAGTAGTAAAAGTATTTATTCCCATATGTCATT[T>C]TCATTTCAGCTCCCTGAAAGGGCAATATTTCAAATTAAACAGTACAATTCAGTTAGCTGT-3'